The following is an entry in ClinVar:

NM_006015.6(ARID1A):c.5777G>A (p.Gly1926Glu)

Gene: ARID1A (AT-rich interaction domain 1A; plus strand). Cytogenetic location: 1p36.11.
Variant type: single nucleotide variant.
Coding change: c.5777G>A on transcript NM_006015.6 (MANE Select); coding-DNA position 5777, G replaced by A.
Protein change: p.Gly1926Glu; replaces glycine 1926 with glutamic acid.
Molecular consequence: missense variant.
Genome position (GRCh38, 1-based): chr1:26,779,675, G>A. VCF-style: chr1-26779675-G-A. GRCh37 (hg19) VCF-style: chr1-27106166-G-A.
Other names: c.5126G>A, p.Gly1709Glu (NM_139135.4); short protein forms G1709E, G1926E.
Identifiers: ClinVar variation 2711298 (VCV002711298.3), dbSNP rs2081172698, ClinGen allele CA339188093.
Genomic context (GRCh38, chr1:26,779,675, plus strand): 5'-GGATCACAGCCACTATGGATGACATGTTGTCTACTCGGTCTAGCACCTTGACCGAGGATG[G>A]AGCTAAGAGTTCAGAGGCCATCAAGGAGAGCAGCAAGTTTCCATTTGGCATTAGCCCAGC-3'
Protein context (NP_006006.3, residues 1916-1936): STRSSTLTED[Gly1926Glu]AKSSEAIKES

ClinVar aggregate classification (germline): Uncertain significance (1 of 4 stars; one submission).

Submission:

Labcorp Genetics (formerly Invitae), Labcorp
Classification: Uncertain significance. Last evaluated: 2024-01-25. Review status: criteria provided, single submitter. Criteria: Invitae Variant Classification Sherloc (09022015). Collection method: clinical testing. Allele origin: germline.
Comment: This sequence change replaces glycine, which is neutral and non-polar, with glutamic acid, which is acidic and polar, at codon 1926 of the ARID1A protein (p.Gly1926Glu). This variant is not present in population databases (gnomAD no frequency). This variant has not been reported in the literature in individuals affected with ARID1A-related conditions. Advanced modeling of protein sequence and biophysical properties (such as structural, functional, and spatial information, amino acid conservation, physicochemical variation, residue mobility, and thermodynamic stability) performed at Invitae indicates that this missense variant is not expected to disrupt ARID1A protein function with a negative predictive value of 80%. In summary, the available evidence is currently insufficient to determine the role of this variant in disease. Therefore, it has been classified as a Variant of Uncertain Significance.